The following is an entry in ClinVar:

ClinVar aggregate classification (germline): Uncertain significance. Review status: criteria provided, multiple submitters, no conflicts (2 of 4 stars). 5 submissions from 5 submitters: Uncertain significance (5). Last evaluated 2026-07-01.

Conditions:
Autosomal recessive ataxia, Beauce type. Also called: Spinocerebellar ataxia, autosomal recessive 8; SYNE1-Related Autosomal Recessive Cerebellar Ataxia; SYNE1 Deficiency; ATAXIA, RECESSIVE, OF BEAUCE. Identifiers: Orphanet 88644, MedGen C1853116, MONDO:0012549, OMIM 610743.
Emery-Dreifuss muscular dystrophy 4, autosomal dominant (EDMD4). Also called: EMERY-DREIFUSS MUSCULAR DYSTROPHY 4 WITH VARIABLE FEATURES. Identifiers: Orphanet 261, MedGen C2751807, MONDO:0013071, OMIM 612998.

Allele frequency attached by ClinVar (database versions not stated): gnomAD exomes 0.00012 and 0.00014; gnomAD 0.00013 and 0.00012; ESP Exome Variant Server 0.00015; ExAC 0.00010; TOPMed 0.00013.
gnomAD v4.1: 199 of 1,614,046 alleles (0.012%); highest among the groups gnomAD compares: Admixed American, 0.035%; no homozygotes.

Submissions (5):

CeGaT Center for Human Genetics Tuebingen
Classification: Uncertain significance. Last evaluated: 2026-07-01. Review status: criteria provided, single submitter. Criteria: CeGaT Center For Human Genetics Tuebingen Variant Classification Criteria Version 2. Collection method: clinical testing. Allele origin: germline. Affected: yes. Observed: 3 variant alleles.
Comment: SYNE1: PM2, BP4

Labcorp Genetics (formerly Invitae), Labcorp
Classification: Uncertain significance for Emery-Dreifuss muscular dystrophy 4, autosomal dominant; Autosomal recessive ataxia, Beauce type. Last evaluated: 2025-11-03. Review status: criteria provided, single submitter. Criteria: Invitae Variant Classification Sherloc (09022015). Collection method: clinical testing. Allele origin: germline.
Comment: This sequence change replaces arginine, which is basic and polar, with histidine, which is basic and polar, at codon 2799 of the SYNE1 protein (p.Arg2799His). This variant is present in population databases (rs139175290, gnomAD 0.04%). This variant has not been reported in the literature in individuals affected with SYNE1-related conditions. ClinVar contains an entry for this variant (Variation ID: 500817). An algorithm developed to predict the effect of missense changes on protein structure and function outputs the following: PolyPhen-2: "Benign". The histidine amino acid residue is found in multiple mammalian species, which suggests that this missense change does not adversely affect protein function. In summary, the available evidence is currently insufficient to determine the role of this variant in disease. Therefore, it has been classified as a Variant of Uncertain Significance.

Revvity Omics, Revvity
Classification: Uncertain significance. Last evaluated: 2024-10-25. Review status: criteria provided, single submitter. Criteria: ACMG Guidelines, 2015. Collection method: clinical testing. Allele origin: germline.

Athena Diagnostics
Classification: Uncertain significance. Last evaluated: 2022-12-28. Review status: criteria provided, single submitter. Criteria: Athena Diagnostics Criteria. Collection method: clinical testing. Allele origin: unknown.
Comment: Available data are insufficient to determine the clinical significance of the variant at this time. The frequency of this variant in the general population is uninformative in assessment of its pathogenicity. Computational tools predict that this variant is not damaging.

Eurofins Ntd Llc (ga)
Classification: Uncertain significance. Last evaluated: 2018-03-16. Review status: criteria provided, single submitter. Criteria: EGL ClinVar v180209 classification definitions. Collection method: clinical testing. Allele origin: germline. Observed: 3 variant alleles, 3 heterozygotes.

Literature cited by the submitters: PubMed 24366360 (cited by Athena Diagnostics).

NM_182961.4(SYNE1):c.8375G>A (p.Arg2792His)

Gene: SYNE1 (spectrin repeat containing nuclear envelope protein 1; minus strand). Cytogenetic location: 6q25.2.
Variant type: single nucleotide variant.
Coding change: c.8375G>A on transcript NM_182961.4 (MANE Select); coding-DNA position 8375, G replaced by A.
Protein change: p.Arg2792His; replaces arginine 2792 with histidine.
Molecular consequence: missense variant.
Genome position (GRCh38, 1-based): chr6:152,387,184, C>T on the plus strand (G>A on the coding strand, the complement: SYNE1 is on the minus strand). VCF-style: chr6-152387184-C-T. GRCh37 (hg19) VCF-style: chr6-152708319-C-T.
Other names: c.8396G>A, p.Arg2799His (NM_033071.5); short protein forms R2792H, R2799H.
Identifiers: ClinVar variation 500817 (VCV000500817.21), dbSNP rs139175290, ClinGen allele CA4057562.